The following is an entry in ClinVar:

ClinVar aggregate classification (germline): Likely pathogenic (1 of 4 stars; one submission).

Conditions:
Hereditary spastic paraplegia 15 (SPG15). Also called: SPASTIC PARAPLEGIA 15, AUTOSOMAL RECESSIVE; KJELLIN SYNDROME; SPASTIC PARAPLEGIA AND RETINAL DEGENERATION. Identifiers: Orphanet 100996, MedGen C1849128, MONDO:0010044, OMIM 270700.

Submission:

Myriad Genetics, Inc.
Classification: Likely pathogenic for Hereditary spastic paraplegia 15. Last evaluated: 2021-12-08. Review status: criteria provided, single submitter. Criteria: Myriad Women's Health Autosomal Recessive and X-Linked Classification Criteria (2021). Collection method: clinical testing. Allele origin: unknown.
Comment: NM_015346.3(ZFYVE26):c.6898_6900delAAGinsC(K2300Hfs*26) is expected to be pathogenic in the context of spastic paraplegia type 15. This variant is predicted to lead to an abnormal or absent protein product due to the creation of a premature termination codon in ZFYVE26, a gene where loss-of-function variants are known to be pathogenic. Please note: this variant was assessed in the context of healthy population screening.

NM_015346.4(ZFYVE26):c.6898_6900delinsC (p.Lys2300fs)

Gene: ZFYVE26 (zinc finger FYVE-type containing 26; minus strand). Cytogenetic location: 14q24.1.
Variant type: Indel.
Coding change: c.6898_6900delinsC on transcript NM_015346.4 (MANE Select); coding-DNA positions 6898 to 6900, AAG replaced by C.
Protein change: p.Lys2300fs; shifts the reading frame from lysine 2300.
Molecular consequence: frameshift variant.
Genome position (GRCh38, 1-based): chr14:67,755,137-67,755,139, CTT replaced by G on the plus strand (AAG replaced by C on the coding strand, the reverse complement: ZFYVE26 is on the minus strand). VCF-style: chr14-67755137-CTT-G. GRCh37 (hg19) VCF-style: chr14-68221854-CTT-G.
Other names: short protein forms K2300fs.
Identifiers: ClinVar variation 1726014 (VCV001726014.2), dbSNP rs2503941036, ClinGen allele CA2580088649.